The following is an entry in ClinVar:

NM_002880.4(RAF1):c.1652T>C (p.Ile551Thr)

Gene: RAF1 (Raf-1 proto-oncogene, serine/threonine kinase; minus strand). Cytogenetic location: 3p25.2.
Variant type: single nucleotide variant.
Coding change: c.1652T>C on transcript NM_002880.4 (MANE Select); coding-DNA position 1652, T replaced by C.
Protein change: p.Ile551Thr; replaces isoleucine 551 with threonine.
Molecular consequence: missense variant. On other transcripts: non-coding transcript variant (3).
Genome position (GRCh38, 1-based): chr3:12,585,138, A>G on the plus strand (T>C on the coding strand, the complement: RAF1 is on the minus strand). VCF-style: chr3-12585138-A-G. GRCh37 (hg19) VCF-style: chr3-12626637-A-G.
Other names: c.1712T>C, p.Ile571Thr (NM_001354689.3); c.1652T>C, p.Ile551Thr (NM_001354690.3); c.1409T>C, p.Ile470Thr (NM_001354691.3, NM_001354692.3); c.1553T>C, p.Ile518Thr (NM_001354693.3); c.1469T>C, p.Ile490Thr (NM_001354694.3); c.1310T>C, p.Ile437Thr (NM_001354695.3); short protein forms I437T, I470T, I490T, I518T, I551T, I571T.
Identifiers: ClinVar variation 4749525 (VCV004749525.1).

ClinVar aggregate classification (germline): Uncertain significance (1 of 4 stars; one submission).

Conditions:
RASopathy. Also called: rasopathies; Noonan spectrum disorder. Identifiers: Orphanet 536391, MedGen C5555857, MONDO:0021060.

gnomAD v4.1: 1 of 1,614,088 alleles (0.000062%); highest among the groups gnomAD compares: Non-Finnish European, 0.000085%; no homozygotes.

Submission:

Labcorp Genetics (formerly Invitae), Labcorp
Classification: Uncertain significance for RASopathy. Last evaluated: 2025-04-08. Review status: criteria provided, single submitter. Criteria: Invitae Variant Classification Sherloc (09022015). Collection method: clinical testing. Allele origin: germline.
Comment: This sequence change replaces isoleucine, which is neutral and non-polar, with threonine, which is neutral and polar, at codon 551 of the RAF1 protein (p.Ile551Thr). This variant is not present in population databases (gnomAD no frequency). This variant has not been reported in the literature in individuals affected with RAF1-related conditions. Invitae Evidence Modeling incorporating data from in vitro experimental studies (internal data) indicates that this missense variant is not expected to disrupt RAF1 function with a negative predictive value of 95%. In summary, the available evidence is currently insufficient to determine the role of this variant in disease. Therefore, it has been classified as a Variant of Uncertain Significance.